The following is an entry in ClinVar:

NM_001206744.2(TPO):c.1109G>A (p.Arg370His)

Gene: TPO (thyroid peroxidase; plus strand). Cytogenetic location: 2p25.3.
Variant type: single nucleotide variant.
Coding change: c.1109G>A on transcript NM_001206744.2 (MANE Select); coding-DNA position 1109, G replaced by A.
Protein change: p.Arg370His; replaces arginine 370 with histidine.
Molecular consequence: missense variant. On other transcripts: intron variant (1).
Genome position (GRCh38, 1-based): chr2:1,477,375, G>A. VCF-style: chr2-1477375-G-A. GRCh37 (hg19) VCF-style: chr2-1481147-G-A.
Other names: c.1109G>A, p.Arg370His (NM_000547.6, NM_001206745.2, NM_175719.4 and 1 more transcripts); c.820-7221G>A (NM_175722.3); short protein forms R370H.
Identifiers: ClinVar variation 3716553 (VCV003716553.1).
Genomic context (GRCh38, chr2:1,477,375, plus strand): 5'-TCCGCGTCCACGCGCGCCTCCGGGACTCCGGCCGCGCCTACCTGCCCTTCGTGCCGCCAC[G>A]CGCGCCTGCGGCCTGTGCGCCCGAGCCCGGCATCCCCGGAGAGACCCGCGGGCCCTGCTT-3'
Protein context (NP_001193673.1, residues 360-380): GRAYLPFVPP[Arg370His]APAACAPEPG

ClinVar aggregate classification (germline): Uncertain significance (1 of 4 stars; one submission).

gnomAD v4.1: 79 of 1,532,814 alleles (0.0052%); highest among the groups gnomAD compares: Non-Finnish European, 0.0069%; 1 homozygote.

Submission:

Labcorp Genetics (formerly Invitae), Labcorp
Classification: Uncertain significance. Last evaluated: 2025-01-10. Review status: criteria provided, single submitter. Criteria: Invitae Variant Classification Sherloc (09022015). Collection method: clinical testing. Allele origin: germline.
Comment: This sequence change replaces arginine, which is basic and polar, with histidine, which is basic and polar, at codon 370 of the TPO protein (p.Arg370His). This variant is present in population databases (rs768318576, gnomAD 0.01%). This variant has not been reported in the literature in individuals affected with TPO-related conditions. Invitae Evidence Modeling of protein sequence and biophysical properties (such as structural, functional, and spatial information, amino acid conservation, physicochemical variation, residue mobility, and thermodynamic stability) indicates that this missense variant is not expected to disrupt TPO protein function with a negative predictive value of 95%. In summary, the available evidence is currently insufficient to determine the role of this variant in disease. Therefore, it has been classified as a Variant of Uncertain Significance.